The following is an entry in ClinVar:

NM_198904.4(GABRG2):c.260-1G>A

Gene: GABRG2 (gamma-aminobutyric acid type A receptor subunit gamma2; plus strand). Cytogenetic location: 5q34.
Variant type: single nucleotide variant.
Coding change: c.260-1G>A on transcript NM_198904.4 (MANE Select); the canonical splice acceptor site of the intron before coding-DNA position 260, G replaced by A.
Molecular consequence: splice acceptor variant.
Genome position (GRCh38, 1-based): chr5:162,095,494, G>A. VCF-style: chr5-162095494-G-A. GRCh37 (hg19) VCF-style: chr5-161522500-G-A.
Other names: c.-26-1G>A (NM_001375349.1); c.260-1G>A (NM_001375343.1, NM_001375344.1, NM_001375340.1 and 4 more transcripts); c.-99-1G>A (NM_001375350.1, NM_001375348.1); c.251-1G>A (NM_001375339.1); c.194-1G>A (NM_001375346.1, NM_001375345.1); c.173-1G>A (NM_001375347.1).
Identifiers: ClinVar variation 1510287 (VCV001510287.8), dbSNP rs2113309064, ClinGen allele CA362183273.

ClinVar aggregate classification (germline): Likely pathogenic (1 of 4 stars; one submission).

Conditions:
EPILEPSY, CHILDHOOD ABSENCE, SUSCEPTIBILITY TO, 2 (ECA2). Identifiers: Orphanet 64280, MedGen C1843244, OMIM 607681.
Febrile seizures, familial, 8 (FEB8). Also called: CONVULSIONS, FAMILIAL FEBRILE, 8. Identifiers: Orphanet 36387, MedGen C1969810, MONDO:0011891, OMIM 607681.

Submission:

Labcorp Genetics (formerly Invitae), Labcorp
Classification: Likely pathogenic for Febrile seizures, familial, 8; EPILEPSY, CHILDHOOD ABSENCE, SUSCEPTIBILITY TO, 2. Last evaluated: 2021-02-20. Review status: criteria provided, single submitter. Criteria: Invitae Variant Classification Sherloc (09022015). Collection method: clinical testing. Allele origin: germline.
Comment: This sequence change affects an acceptor splice site in intron 2 of the GABRG2 gene. It is expected to disrupt RNA splicing. Variants that disrupt the donor or acceptor splice site typically lead to a loss of protein function (PMID: 16199547), and loss-of-function variants in GABRG2 are known to be pathogenic (PMID: 22539854, 22750526, 24407264). This variant is not present in population databases (ExAC no frequency). This variant has not been reported in the literature in individuals with GABRG2-related conditions. Algorithms developed to predict the effect of sequence changes on RNA splicing suggest that this variant may disrupt the consensus splice site, but this prediction has not been confirmed by published transcriptional studies. In summary, the currently available evidence indicates that the variant is pathogenic, but additional data are needed to prove that conclusively. Therefore, this variant has been classified as Likely Pathogenic.

Literature cited by the submitters: PubMed 16199547; PubMed 22539854; PubMed 22750526; PubMed 24407264.